The following is an entry in ClinVar:

NM_004364.5(CEBPA):c.872G>A (p.Arg291His)

Gene: CEBPA (CCAAT enhancer binding protein alpha; minus strand). Cytogenetic location: 19q13.11.
Variant type: single nucleotide variant.
Coding change: c.872G>A on transcript NM_004364.5 (MANE Select); coding-DNA position 872, G replaced by A.
Protein change: p.Arg291His; replaces arginine 291 with histidine.
Molecular consequence: missense variant.
Genome position (GRCh38, 1-based): chr19:33,301,543, C>T on the plus strand (G>A on the coding strand, the complement: CEBPA is on the minus strand). VCF-style: chr19-33301543-C-T. GRCh37 (hg19) VCF-style: chr19-33792449-C-T.
Other names: c.515G>A, p.Arg172His (NM_001285829.2); c.977G>A, p.Arg326His (NM_001287424.2); c.830G>A, p.Arg277His (NM_001287435.2); c.872G>A (NM_004364.3); short protein forms R291H, R277H, R326H, R172H.
Identifiers: ClinVar variation 1371621 (VCV001371621.7), dbSNP rs1967164761, ClinGen allele CA405274030.
Genomic context (GRCh38, chr19:33,301,543, plus strand): 5'-TGCGTCTCCACGTTGCGCTGCTTGGCCTTGTCGCGGCTCTTGCGCACCGCGATGTTGTTG[C>T]GCTCGCGCCGCACCCGGTACTCGTTGCTGTTCTTGTCCACCGACTTCTTGGCCTTGCCCG-3'
Protein context (NP_004355.2, residues 281-301): NSNEYRVRRE[Arg291His]NNIAVRKSRD

ClinVar aggregate classification (germline): Uncertain significance. Review status: criteria provided, multiple submitters, no conflicts (2 of 4 stars). 2 submissions from 2 submitters: Uncertain significance (2). Last evaluated 2025-11-07.

Conditions:
Inborn genetic diseases. Identifiers: MedGen C0950123, MeSH D030342.
Acute myeloid leukemia (AML). Also called: Leukemia, acute myeloid, somatic; Leukemia, acute myelogenous, somatic; Acute myeloid leukemia, adult; AML adult; Acute non-lymphocytic leukemia; Acute granulocytic leukemia. Identifiers: Orphanet 519, MedGen C0023467, MeSH D015470, MONDO:0018874, OMIM 601626, HP:0004808. Disease mechanism: Constitutively activated FLT3.

Allele frequency attached by ClinVar (database versions not stated): gnomAD exomes below 0.00001; TOPMed below 0.00001.

Submissions (2):

Ambry Genetics
Classification: Uncertain significance for Inborn genetic diseases. Last evaluated: 2025-11-07. Review status: criteria provided, single submitter. Criteria: Ambry Variant Classification Scheme 2023. Collection method: clinical testing. Allele origin: germline.
Comment: The p.R291H variant (also known as c.872G>A), located in coding exon 1 of the CEBPA gene, results from a G to A substitution at nucleotide position 872. The arginine at codon 291 is replaced by histidine, an amino acid with highly similar properties. This amino acid position is conserved. In addition, the in silico prediction for this alteration is inconclusive. Based on the available evidence, the clinical significance of this variant remains unclear.

Labcorp Genetics (formerly Invitae), Labcorp
Classification: Uncertain significance for Acute myeloid leukemia. Last evaluated: 2021-11-30. Review status: criteria provided, single submitter. Criteria: Invitae Variant Classification Sherloc (09022015). Collection method: clinical testing. Allele origin: germline.
Comment: This sequence change replaces arginine, which is basic and polar, with histidine, which is basic and polar, at codon 291 of the CEBPA protein (p.Arg291His). In summary, the available evidence is currently insufficient to determine the role of this variant in disease. Therefore, it has been classified as a Variant of Uncertain Significance. Algorithms developed to predict the effect of missense changes on protein structure and function (SIFT, PolyPhen-2, Align-GVGD) all suggest that this variant is likely to be disruptive. This variant has not been reported in the literature in individuals affected with CEBPA-related conditions. This variant is not present in population databases (gnomAD no frequency).